The following is an entry in ClinVar:

ClinVar aggregate classification (germline): Uncertain significance (1 of 4 stars; one submission).

Allele frequency attached by ClinVar (database versions not stated): gnomAD exomes 0.00002 and 0.00003; TOPMed 0.00002; ExAC 0.00003; gnomAD 0.00003.
gnomAD v4.1: 47 of 1,565,428 alleles (0.003%); highest among the groups gnomAD compares: Non-Finnish European, 0.0038%; no homozygotes.

Submission:

Labcorp Genetics (formerly Invitae), Labcorp
Classification: Uncertain significance. Last evaluated: 2025-02-03. Review status: criteria provided, single submitter. Criteria: Invitae Variant Classification Sherloc (09022015). Collection method: clinical testing. Allele origin: germline.
Comment: This sequence change falls in intron 4 of the CWC27 gene. It does not directly change the encoded amino acid sequence of the CWC27 protein. It affects a nucleotide within the consensus splice site. This variant is present in population databases (rs764988150, gnomAD 0.009%). This variant has not been reported in the literature in individuals affected with CWC27-related conditions. ClinVar contains an entry for this variant (Variation ID: 1053452). Variants that disrupt the consensus splice site are a relatively common cause of aberrant splicing (PMID: 17576681, 9536098). Algorithms developed to predict the effect of sequence changes on RNA splicing suggest that this variant is not likely to affect RNA splicing. In summary, the available evidence is currently insufficient to determine the role of this variant in disease. Therefore, it has been classified as a Variant of Uncertain Significance.

Literature cited by the submitters: PubMed 17576681; PubMed 9536098.

NM_005869.4(CWC27):c.396+5G>T

Gene: CWC27 (CWC27 spliceosome associated cyclophilin; plus strand). Cytogenetic location: 5q12.3.
Variant type: single nucleotide variant.
Coding change: c.396+5G>T on transcript NM_005869.4 (MANE Select); 5 bases into the intron after coding-DNA position 396, G replaced by T.
Molecular consequence: intron variant.
Genome position (GRCh38, 1-based): chr5:64,783,984, G>T. VCF-style: chr5-64783984-G-T. GRCh37 (hg19) VCF-style: chr5-64079811-G-T.
Other names: c.396+5G>T (NM_001297644.1, NM_001364478.1, NM_001318000.2 and 1 more transcripts).
Identifiers: ClinVar variation 1053452 (VCV001053452.8), dbSNP rs764988150, ClinGen allele CA3281930.
Genomic context (GRCh38, chr5:64,783,984, plus strand): 5'-TCTTCACACTGGGTCGAGCAGATGAACTTAACAATAAGCATACCATCTTTGGAAAGGTTA[G>T]TGTCCAGTGATTTTAAACCTGTGGTTCAGTTTTTGGTTTTATGTTATTCCTTAGACTTCT-3'